The following is an entry in ClinVar:

ClinVar aggregate classification (germline): Uncertain significance (1 of 4 stars; one submission).

Conditions:
Cenani-Lenz syndactyly syndrome. Also called: SYNDACTYLY, TYPE VII; CENANI SYNDACTYLISM. Identifiers: Orphanet 3258, MedGen C1859309, MONDO:0008931, OMIM 212780.
Sclerosteosis 2 (SOST2). Identifiers: Orphanet 3152, MedGen C3280402, MONDO:0013679, OMIM 614305.
Congenital myasthenic syndrome 17. Identifiers: Orphanet 590, MedGen C4225377, MONDO:0014578, OMIM 616304.

Submission:

Labcorp Genetics (formerly Invitae), Labcorp
Classification: Uncertain significance for Cenani-Lenz syndactyly syndrome; Sclerosteosis 2; Congenital myasthenic syndrome 17. Last evaluated: 2023-12-06. Review status: criteria provided, single submitter. Criteria: Invitae Variant Classification Sherloc (09022015). Collection method: clinical testing. Allele origin: germline.
Comment: This sequence change replaces leucine, which is neutral and non-polar, with phenylalanine, which is neutral and non-polar, at codon 1836 of the LRP4 protein (p.Leu1836Phe). This variant is not present in population databases (gnomAD no frequency). This variant has not been reported in the literature in individuals affected with LRP4-related conditions. ClinVar contains an entry for this variant (Variation ID: 2163296). Advanced modeling of protein sequence and biophysical properties (such as structural, functional, and spatial information, amino acid conservation, physicochemical variation, residue mobility, and thermodynamic stability) performed at Invitae indicates that this missense variant is not expected to disrupt LRP4 protein function with a negative predictive value of 80%. In summary, the available evidence is currently insufficient to determine the role of this variant in disease. Therefore, it has been classified as a Variant of Uncertain Significance.

NM_002334.4(LRP4):c.5506C>T (p.Leu1836Phe)

Genes: LRP4 (LDL receptor related protein 4; minus strand), LRP4-AS1 (LRP4 antisense RNA 1; plus strand). Cytogenetic location: 11p11.2.
Variant type: single nucleotide variant.
Coding change: c.5506C>T on transcript NM_002334.4 (MANE Select); coding-DNA position 5506, C replaced by T.
Protein change: p.Leu1836Phe; replaces leucine 1836 with phenylalanine.
Molecular consequence: missense variant.
Genome position (GRCh38, 1-based): chr11:46,859,195, G>A on the plus strand (C>T on the coding strand, the complement: LRP4 is on the minus strand). VCF-style: chr11-46859195-G-A. GRCh37 (hg19) VCF-style: chr11-46880746-G-A.
Other names: short protein forms L1836F.
Identifiers: ClinVar variation 2163296 (VCV002163296.4), dbSNP rs2134750890, ClinGen allele CA380284078.